The following is an entry in ClinVar:

NM_003458.4(BSN):c.8614C>T (p.Gln2872Ter)

Gene: BSN (bassoon presynaptic cytomatrix protein; plus strand). Cytogenetic location: 3p21.31.
Variant type: single nucleotide variant.
Coding change: c.8614C>T on transcript NM_003458.4 (MANE Select); coding-DNA position 8614, C replaced by T.
Protein change: p.Gln2872Ter; replaces glutamine 2872 with a stop codon.
Molecular consequence: nonsense.
Genome position (GRCh38, 1-based): chr3:49,658,170, C>T. VCF-style: chr3-49658170-C-T. GRCh37 (hg19) VCF-style: chr3-49695603-C-T.
Other names: short protein forms Q2872*.
Identifiers: ClinVar variation 3900313 (VCV003900313.1).

ClinVar aggregate classification (germline): Uncertain significance (1 of 4 stars; one submission).

Submission:

GeneDx
Classification: Uncertain significance. Last evaluated: 2024-01-11. Review status: criteria provided, single submitter. Criteria: GeneDx Variant Classification Process June 2021. Collection method: clinical testing. Allele origin: germline. Affected: yes.
Comment: Not observed at significant frequency in large population cohorts (gnomAD); Nonsense variant predicted to result in protein truncation or nonsense mediated decay in a gene or region of a gene for which loss of function is not a well-established mechanism of disease; Has not been previously published as pathogenic or benign to our knowledge; Variants in candidate genes are classified as variants of uncertain significance in accordance with ACMG guidelines (PMID: 25741868)